The following is an entry in ClinVar:

NM_207581.4(DUOXA2):c.228G>T (p.Trp76Cys)

Gene: DUOXA2 (dual oxidase maturation factor 2; plus strand). Cytogenetic location: 15q21.1.
Variant type: single nucleotide variant.
Coding change: c.228G>T on transcript NM_207581.4 (MANE Select); coding-DNA position 228, G replaced by T.
Protein change: p.Trp76Cys; replaces tryptophan 76 with cysteine.
Molecular consequence: missense variant.
Genome position (GRCh38, 1-based): chr15:45,116,146, G>T. VCF-style: chr15-45116146-G-T. GRCh37 (hg19) VCF-style: chr15-45408344-G-T.
Other names: short protein forms W76C.
Identifiers: ClinVar variation 1705348 (VCV001705348.1), dbSNP rs377426710, ClinGen allele CA7539295.

ClinVar aggregate classification (germline): Likely pathogenic (1 of 4 stars; one submission).

Conditions:
Thyroglobulin synthesis defect (TDH5). Also called: HYPOTHYROIDISM, CONGENITAL, DUE TO DYSHORMONOGENESIS, 5; THYROID HORMONOGENESIS, GENETIC DEFECT IN, 5; Thyroid dyshormonogenesis 5. Identifiers: Orphanet 95716, MedGen C0342196, MONDO:0010137, OMIM 274900.

Allele frequency attached by ClinVar (database versions not stated): ESP Exome Variant Server 0.00008.

Submission:

3billion
Classification: Likely pathogenic for Thyroglobulin synthesis defect. Last evaluated: 2022-09-01. Review status: criteria provided, single submitter. Criteria: ACMG Guidelines, 2015. Collection method: clinical testing. Allele origin: germline. Affected: yes. Observed: 1 homozygote.
Comment: The variant is observed at an extremely low frequency in the gnomAD v2.1.1 dataset (total allele frequency: 0.005%). While this variant results in missense change, protein truncation variants are a common disease-causing mechanism. Functional studies provide strong evidence of the variant having a damaging effect on the gene or gene product (PMID: 31044655). In silico tool predictions suggest damaging effect of the variant on gene or gene product (REVEL: 0.86; 3Cnet: 0.82). Same nucleotide change resulting in same amino acid change has been previously reported to be associated with DUOXA2-related disorder (PMID: 31044655). Therefore, this variant is classified as Likely pathogenic according to the recommendation of ACMG/AMP guideline.

Literature cited by the submitters: PubMed 31044655.